The following is an entry in ClinVar:

NM_000170.3(GLDC):c.472A>G (p.Ile158Val)

Gene: GLDC (glycine decarboxylase; minus strand). Cytogenetic location: 9p24.1.
Variant type: single nucleotide variant.
Coding change: c.472A>G on transcript NM_000170.3 (MANE Select); coding-DNA position 472, A replaced by G.
Protein change: p.Ile158Val; replaces isoleucine 158 with valine.
Molecular consequence: missense variant.
Genome position (GRCh38, 1-based): chr9:6,610,355, T>C on the plus strand (A>G on the coding strand, the complement: GLDC is on the minus strand). VCF-style: chr9-6610355-T-C. GRCh37 (hg19) VCF-style: chr9-6610355-T-C.
Other names: short protein forms I158V.
Identifiers: ClinVar variation 2067338 (VCV002067338.4), dbSNP rs2489111132, ClinGen allele CA372898697.

ClinVar aggregate classification (germline): Uncertain significance (1 of 4 stars; one submission).

Conditions:
Glycine encephalopathy. Also called: Nonketotic hyperglycinemia; Non-ketotic hyperglycinemia. Identifiers: Orphanet 407, MedGen C0751748, MONDO:0011612, HP:0008288.

Allele frequency attached by ClinVar (database versions not stated): gnomAD exomes 0.00001.
gnomAD v4.1: 9 of 1,614,038 alleles (0.00056%); highest among the groups gnomAD compares: Non-Finnish European, 0.00076%; no homozygotes.

Submission:

Labcorp Genetics (formerly Invitae), Labcorp
Classification: Uncertain significance for Glycine encephalopathy. Last evaluated: 2022-07-23. Review status: criteria provided, single submitter. Criteria: Invitae Variant Classification Sherloc (09022015). Collection method: clinical testing. Allele origin: germline.
Comment: This variant has not been reported in the literature in individuals affected with GLDC-related conditions. Algorithms developed to predict the effect of missense changes on protein structure and function output the following: SIFT: "Tolerated"; PolyPhen-2: "Benign"; Align-GVGD: "Class C0". The valine amino acid residue is found in multiple mammalian species, which suggests that this missense change does not adversely affect protein function. In summary, the available evidence is currently insufficient to determine the role of this variant in disease. Therefore, it has been classified as a Variant of Uncertain Significance. This variant is not present in population databases (gnomAD no frequency). This sequence change replaces isoleucine, which is neutral and non-polar, with valine, which is neutral and non-polar, at codon 158 of the GLDC protein (p.Ile158Val).